The following is an entry in ClinVar:

ClinVar aggregate classification (germline): Uncertain significance (1 of 4 stars; one submission).

Conditions:
Norman-Roberts syndrome (LIS2). Also called: Lissencephaly 2 (Norman-Roberts type). Identifiers: Orphanet 89844, MedGen C0796089, MONDO:0009760, OMIM 257320.
Familial temporal lobe epilepsy 7. Identifiers: Orphanet 101046, MedGen C4225327, MONDO:0014639, OMIM 616436.

gnomAD v4.1: 4 of 1,602,710 alleles (0.00025%); highest among the groups gnomAD compares: East Asian, 0.0089%; no homozygotes.

Submission:

Labcorp Genetics (formerly Invitae), Labcorp
Classification: Uncertain significance for Familial temporal lobe epilepsy 7; Norman-Roberts syndrome. Last evaluated: 2022-02-10. Review status: criteria provided, single submitter. Criteria: Invitae Variant Classification Sherloc (09022015). Collection method: clinical testing. Allele origin: germline.
Comment: In summary, the available evidence is currently insufficient to determine the role of this variant in disease. Therefore, it has been classified as a Variant of Uncertain Significance. This sequence change replaces proline, which is neutral and non-polar, with arginine, which is basic and polar, at codon 693 of the RELN protein (p.Pro693Arg). This variant is not present in population databases (gnomAD no frequency). This variant has not been reported in the literature in individuals affected with RELN-related conditions. Algorithms developed to predict the effect of missense changes on protein structure and function are either unavailable or do not agree on the potential impact of this missense change (SIFT: "Deleterious"; PolyPhen-2: "Possibly Damaging"; Align-GVGD: "Class C0").

NM_005045.4(RELN):c.2078C>G (p.Pro693Arg)

Gene: RELN (reelin; minus strand). Cytogenetic location: 7q22.1.
Variant type: single nucleotide variant.
Coding change: c.2078C>G on transcript NM_005045.4 (MANE Select); coding-DNA position 2078, C replaced by G.
Protein change: p.Pro693Arg; replaces proline 693 with arginine.
Molecular consequence: missense variant.
Genome position (GRCh38, 1-based): chr7:103,636,460, G>C on the plus strand (C>G on the coding strand, the complement: RELN is on the minus strand). VCF-style: chr7-103636460-G-C. GRCh37 (hg19) VCF-style: chr7-103276907-G-C.
Other names: c.2078C>G, p.Pro693Arg (NM_173054.3); short protein forms P693R.
Identifiers: ClinVar variation 1511920 (VCV001511920.6), dbSNP rs1832583360, ClinGen allele CA368762247.